The following is an entry in ClinVar:

ClinVar aggregate classification (germline): Uncertain significance. Review status: criteria provided, multiple submitters, no conflicts (2 of 4 stars). 3 submissions from 3 submitters: Uncertain significance (3). Last evaluated 2025-11-11.

Conditions:
Hereditary cancer-predisposing syndrome. Also called: Neoplastic Syndromes, Hereditary; Tumor predisposition; Hereditary Cancer Syndrome; Hereditary neoplastic syndrome. Identifiers: Orphanet 140162, MedGen C0027672, MeSH D009386, MONDO:0015356.

Allele frequency attached by ClinVar (database versions not stated): gnomAD exomes below 0.00001; TOPMed below 0.00001.
gnomAD v4.1: 4 of 1,605,054 alleles (0.00025%); highest among the groups gnomAD compares: Non-Finnish European, 0.00034%; no homozygotes.

Submissions (3):

Ambry Genetics
Classification: Uncertain significance for Hereditary cancer-predisposing syndrome. Last evaluated: 2025-11-11. Review status: criteria provided, single submitter. Criteria: Ambry Variant Classification Scheme 2023. Collection method: clinical testing. Allele origin: germline.
Comment: The p.K50N variant (also known as c.150A>T), located in coding exon 2 of the NTHL1 gene, results from an A to T substitution at nucleotide position 150. The lysine at codon 50 is replaced by asparagine, an amino acid with similar properties. This amino acid position is not well conserved in available vertebrate species. In addition, this alteration is predicted to be tolerated by in silico analysis. Since supporting evidence is limited at this time, the clinical significance of this alteration remains unclear.

Labcorp Genetics (formerly Invitae), Labcorp
Classification: Uncertain significance. Last evaluated: 2025-07-05. Review status: criteria provided, single submitter. Criteria: Invitae Variant Classification Sherloc (09022015). Collection method: clinical testing. Allele origin: germline.
Comment: This sequence change replaces lysine, which is basic and polar, with asparagine, which is neutral and polar, at codon 50 of the NTHL1 protein (p.Lys50Asn). This variant is present in population databases (no rsID available, gnomAD 0.0009%). This variant has not been reported in the literature in individuals affected with NTHL1-related conditions. ClinVar contains an entry for this variant (Variation ID: 648635). An algorithm developed to predict the effect of missense changes on protein structure and function (PolyPhen-2) suggests that this variant is likely to be tolerated. In summary, the available evidence is currently insufficient to determine the role of this variant in disease. Therefore, it has been classified as a Variant of Uncertain Significance.

GeneDx
Classification: Uncertain significance. Last evaluated: 2019-05-17. Review status: criteria provided, single submitter. Criteria: GeneDx Variant Classification Process June 2021. Collection method: clinical testing. Allele origin: germline. Affected: yes.
Comment: Not observed at a significant frequency in large population cohorts (Lek et al., 2016); In silico analysis, which includes protein predictors and evolutionary conservation, supports that this variant does not alter protein structure/function; Has not been previously published as pathogenic or benign to our knowledge

NM_002528.7(NTHL1):c.126A>T (p.Lys42Asn)

Gene: NTHL1 (nth like DNA glycosylase 1; minus strand). Cytogenetic location: 16p13.3.
Variant type: single nucleotide variant.
Coding change: c.126A>T on transcript NM_002528.7 (MANE Select); coding-DNA position 126, A replaced by T.
Protein change: p.Lys42Asn; replaces lysine 42 with asparagine.
Molecular consequence: missense variant. On other transcripts: 5 prime UTR variant (1).
Genome position (GRCh38, 1-based): chr16:2,046,356, T>A on the plus strand (A>T on the coding strand, the complement: NTHL1 is on the minus strand). VCF-style: chr16-2046356-T-A. GRCh37 (hg19) VCF-style: chr16-2096357-T-A.
Other names: c.126A>T, p.Lys42Asn (LRG_1366t1, NM_001318193.2); c.-53A>T (NM_001318194.2); short protein forms K42N.
Identifiers: ClinVar variation 648635 (VCV000648635.14), dbSNP rs1015408170, ClinGen allele CA276765721.